The following is an entry in ClinVar:

ClinVar aggregate classification (germline): Uncertain significance (1 of 4 stars; one submission).

Conditions:
Long QT syndrome (LQTS). Identifiers: MedGen C0023976, MeSH D008133, MONDO:0002442. Disease mechanism: loss of function. Inheritance: Various modes of inheritance.

Submission:

Labcorp Genetics (formerly Invitae), Labcorp
Classification: Uncertain significance for Long QT syndrome. Last evaluated: 2016-08-24. Review status: criteria provided, single submitter. Criteria: Invitae Variant Classification Sherloc (09022015). Collection method: clinical testing. Allele origin: germline.
Comment: In summary, this variant is a novel missense change that is not predicted to affect protein function. There is no indication that it causes disease, but the available evidence is currently insufficient to prove that conclusively. Therefore, it has been classified as a Variant of Uncertain Significance. Algorithms developed to predict the effect of missense changes on protein structure and function output the following: (SIFT: "Tolerated"; PolyPhen-2: "Benign"; Align-GVGD: "Class C0"). The isoleucine amino acid residue is also found in multiple mammalian species, suggesting that this missense change does not adversely affect protein function. These predictions have not been confirmed by published functional studies. This variant is not present in population databases (ExAC no frequency) and has not been reported in the literature in individuals with a ANK2-related disease. This sequence change replaces valine with isoleucine at codon 2876 of the ANK2 protein (p.Val2876Ile). The valine residue is weakly conserved and there is a small physicochemical difference between valine and isoleucine.

NM_001148.6(ANK2):c.8626G>A (p.Val2876Ile)

Gene: ANK2 (ankyrin 2; plus strand). Cytogenetic location: 4q26.
Variant type: single nucleotide variant.
Coding change: c.8626G>A on transcript NM_001148.6 (MANE Select); coding-DNA position 8626, G replaced by A.
Protein change: p.Val2876Ile; replaces valine 2876 with isoleucine.
Molecular consequence: missense variant. On other transcripts: intron variant (68).
Genome position (GRCh38, 1-based): chr4:113,357,244, G>A. VCF-style: chr4-113357244-G-A. GRCh37 (hg19) VCF-style: chr4-114278400-G-A.
Other names: c.4325-3579G>A (NM_001354236.2); c.4463-3579G>A (NM_001354232.2); c.4328-3579G>A (NM_001354228.2, NM_001354258.2); c.4265-3579G>A (NM_001354245.2, NM_001354262.2, NM_001354275.2); c.4229-3579G>A (NM_001354268.2); c.4127-3579G>A (NM_001354273.2); c.4427-3579G>A (NM_020977.5); c.4484-3579G>A (NM_001386152.1); and 35 more; short protein forms V2876I, V1676I, V2798I, V2915I, V2923I.
Identifiers: ClinVar variation 406458 (VCV000406458.5), dbSNP rs369274672, ClinGen allele CA16611596.